The following is an entry in ClinVar:

NM_001035.3(RYR2):c.10509T>C (p.Asp3503=)

Gene: RYR2 (ryanodine receptor 2; plus strand). Cytogenetic location: 1q43.
Variant type: single nucleotide variant.
Coding change: c.10509T>C on transcript NM_001035.3 (MANE Select); coding-DNA position 10509, T replaced by C.
Protein change: p.Asp3503=; no amino-acid change (aspartic acid 3503 retained).
Molecular consequence: synonymous variant.
Genome position (GRCh38, 1-based): chr1:237,718,476, T>C. VCF-style: chr1-237718476-T-C. GRCh37 (hg19) VCF-style: chr1-237881776-T-C.
Identifiers: ClinVar variation 1332135 (VCV001332135.3), dbSNP rs2149105274, ClinGen allele CA423820099.

ClinVar aggregate classification (germline): Likely benign. Review status: criteria provided, multiple submitters, no conflicts (2 of 4 stars). 2 submissions from 2 submitters: Likely benign (2). Last evaluated 2023-12-01.

Conditions:
Catecholaminergic polymorphic ventricular tachycardia (CVPT). Also called: Catecholamine-induced polymorphic ventricular tachycardia. Identifiers: Orphanet 3286, MedGen C5574922, MONDO:0017990.
Cardiomyopathy (CMYO). Also called: Cardiomyopathies. Identifiers: Orphanet 167848, MedGen C0878544, MONDO:0004994, HP:0001638. Inheritance: Various modes of inheritance.

Submissions (2):

All of Us Research Program, National Institutes of Health
Classification: Likely benign for Catecholaminergic polymorphic ventricular tachycardia. Last evaluated: 2023-12-01. Review status: criteria provided, single submitter. Criteria: ACMG Guidelines, 2015. Collection method: clinical testing. Allele origin: germline. Inheritance: Autosomal dominant inheritance. Observed: 2 variant alleles, 2 heterozygotes.
Comment: This study involves interpretation of variants in research participants for the purpose of population health screening. Participant phenotype was not available at the time of variant classification. Additional details can be found in publication PMID: 35346344, PMCID: PMC8962531

Color Diagnostics, LLC DBA Color Health
Classification: Likely benign for Cardiomyopathy. Last evaluated: 2021-04-06. Review status: criteria provided, single submitter. Criteria: ACMG Guidelines, 2015. Collection method: clinical testing. Allele origin: germline.